The following is an entry in ClinVar:

ClinVar aggregate classification (germline): Uncertain significance. Review status: criteria provided, multiple submitters, no conflicts (2 of 4 stars). 2 submissions from 2 submitters: Uncertain significance (2). Last evaluated 2022-06-05.

Conditions:
Meier-Gorlin syndrome 7. Identifiers: Orphanet 2554, MedGen C4310738, MONDO:0014894, OMIM 617063. Disease mechanism: loss of function.

Allele frequency attached by ClinVar (database versions not stated): gnomAD exomes below 0.00001; gnomAD 0.00001; TOPMed 0.00001.
gnomAD v4.1: 7 of 1,613,930 alleles (0.00043%); highest among the groups gnomAD compares: Non-Finnish European, 0.00059%; no homozygotes.

Submissions (2):

Labcorp Genetics (formerly Invitae), Labcorp
Classification: Uncertain significance. Last evaluated: 2022-06-05. Review status: criteria provided, single submitter. Criteria: Invitae Variant Classification Sherloc (09022015). Collection method: clinical testing. Allele origin: germline.
Comment: This variant is present in population databases (no rsID available, gnomAD 0.0009%). In summary, the available evidence is currently insufficient to determine the role of this variant in disease. Therefore, it has been classified as a Variant of Uncertain Significance. Algorithms developed to predict the effect of missense changes on protein structure and function are either unavailable or do not agree on the potential impact of this missense change (SIFT: "Deleterious"; PolyPhen-2: "Possibly Damaging"; Align-GVGD: "Class C0"). ClinVar contains an entry for this variant (Variation ID: 617940). This variant is also known as c.1487C>T (p.Pro496Leu). This missense change has been observed in individual(s) with Meier-Gorlin syndrome (PMID: 27374770). This sequence change replaces proline, which is neutral and non-polar, with leucine, which is neutral and non-polar, at codon 528 of the CDC45 protein (p.Pro528Leu).

SIB Swiss Institute of Bioinformatics
Classification: Uncertain significance for Meier-Gorlin syndrome 7. Last evaluated: 2018-10-15. Review status: criteria provided, single submitter. Criteria: ACMG Guidelines, 2015. Collection method: curation. Allele origin: unknown.
Comment: This variant is interpreted as Uncertain Significance - Insufficient Evidence, for Meier-Gorlin syndrome 7, autosomal recessive. The following ACMG Tag(s) were applied: PM2 => Absent from controls (or at extremely low frequency if recessive) in Exome Sequencing Project, 1000 Genomes Project, or Exome Aggregation Consortium. PP3 => Multiple lines of computational evidence support a deleterious effect on the gene or gene product.

Literature cited by the submitters: PubMed 27374770 (cited by Labcorp Genetics (formerly Invitae), Labcorp).

NM_003504.5(CDC45):c.1487C>T (p.Pro496Leu)

Gene: CDC45 (cell division cycle 45; plus strand). Cytogenetic location: 22q11.21.
Variant type: single nucleotide variant.
Coding change: c.1487C>T on transcript NM_003504.5 (MANE Select); coding-DNA position 1487, C replaced by T.
Protein change: p.Pro496Leu; replaces proline 496 with leucine.
Molecular consequence: missense variant. On other transcripts: non-coding transcript variant (1).
Genome position (GRCh38, 1-based): chr22:19,516,573, C>T. VCF-style: chr22-19516573-C-T. GRCh37 (hg19) VCF-style: chr22-19504096-C-T.
Other names: c.1583C>T, p.Pro528Leu (NM_001178010.2); c.1349C>T, p.Pro450Leu (NM_001178011.2); c.1451C>T, p.Pro484Leu (NM_001369291.1); short protein forms P528L, P484L, P496L, P450L.
Identifiers: ClinVar variation 617940 (VCV000617940.4), dbSNP rs1376596361, ClinGen allele CA410669365.